The following is an entry in ClinVar:

NM_020937.4(FANCM):c.3796A>T (p.Ile1266Phe)

Gene: FANCM (FA complementation group M; plus strand). Cytogenetic location: 14q21.2.
Variant type: single nucleotide variant.
Coding change: c.3796A>T on transcript NM_020937.4 (MANE Select); coding-DNA position 3796, A replaced by T.
Protein change: p.Ile1266Phe; replaces isoleucine 1266 with phenylalanine.
Molecular consequence: missense variant.
Genome position (GRCh38, 1-based): chr14:45,176,550, A>T. VCF-style: chr14-45176550-A-T. GRCh37 (hg19) VCF-style: chr14-45645753-A-T.
Other names: c.3718A>T, p.Ile1240Phe (NM_001308133.2); short protein forms I1266F, I1240F.
Identifiers: ClinVar variation 4619644 (VCV004619644.1).

ClinVar aggregate classification (germline): Uncertain significance (1 of 4 stars; one submission).

Conditions:
Inborn genetic diseases. Identifiers: MedGen C0950123, MeSH D030342.

Submission:

Ambry Genetics
Classification: Uncertain significance for Inborn genetic diseases. Last evaluated: 2025-12-14. Review status: criteria provided, single submitter. Criteria: Ambry Variant Classification Scheme 2023. Collection method: clinical testing. Allele origin: germline.
Comment: The p.I1266F variant (also known as c.3796A>T), located in coding exon 14 of the FANCM gene, results from an A to T substitution at nucleotide position 3796. The isoleucine at codon 1266 is replaced by phenylalanine, an amino acid with highly similar properties. This amino acid position is conserved. In addition, this alteration is predicted to be tolerated by in silico analysis. Based on the available evidence, the clinical significance of this variant remains unclear.